The following is an entry in ClinVar:

ClinVar aggregate classification (germline): Uncertain significance (1 of 4 stars; one submission).

gnomAD v4.1: 4 of 1,610,544 alleles (0.00025%); highest among the groups gnomAD compares: African/African-American, 0.0053%; no homozygotes.

Submission:

Women's Health and Genetics/Laboratory Corporation of America, LabCorp
Classification: Uncertain significance. Last evaluated: 2026-04-15. Review status: criteria provided, single submitter. Criteria: LabCorp Variant Classification Summary - May 2015. Collection method: clinical testing. Allele origin: germline.
Comment: Variant summary: FGG c.460G>T (p.Val154Leu) results in a conservative amino acid change in the encoded protein sequence. Algorithms developed to predict the effect of missense changes on protein structure and function all suggest that this variant is likely to be tolerated. The variant allele was found at a frequency of 8e-06 in 251214 control chromosomes. The available data on variant occurrences in the general population are insufficient to allow any conclusion about variant significance. To our knowledge, no occurrence of c.460G>T in individuals affected with FGG-related conditions and no experimental evidence demonstrating its impact on protein function have been reported. No submitters have cited clinical-significance assessments for this variant to ClinVar. Based on the evidence outlined above, the variant was classified as uncertain significance.

NM_021870.3(FGG):c.460G>T (p.Val154Leu)

Gene: FGG (fibrinogen gamma chain; minus strand). Cytogenetic location: 4q32.1.
Variant type: single nucleotide variant.
Coding change: c.460G>T on transcript NM_021870.3 (MANE Select); coding-DNA position 460, G replaced by T.
Protein change: p.Val154Leu; replaces valine 154 with leucine.
Molecular consequence: missense variant.
Genome position (GRCh38, 1-based): chr4:154,610,139, C>A on the plus strand (G>T on the coding strand, the complement: FGG is on the minus strand). VCF-style: chr4-154610139-C-A. GRCh37 (hg19) VCF-style: chr4-155531291-C-A.
Other names: c.460G>T, p.Val154Leu (NM_000509.6); short protein forms V154L.
Identifiers: ClinVar variation 4848532 (VCV004848532.1).